The following is an entry in ClinVar:

NM_001369.3(DNAH5):c.77_78insTAAAAATGTTACAT (p.Lys26fs)

Gene: DNAH5 (dynein axonemal heavy chain 5; minus strand). Cytogenetic location: 5p15.2.
Variant type: Insertion.
Coding change: c.77_78insTAAAAATGTTACAT on transcript NM_001369.3 (MANE Select); coding-DNA positions 77 to 78, TAAAAATGTTACAT inserted.
Protein change: p.Lys26fs; shifts the reading frame from lysine 26.
Molecular consequence: frameshift variant.
Genome position: GRCh38 VCF-style: chr5-13931224-C-CATGTAACATTTTTA. GRCh37 (hg19) VCF-style: chr5-13931333-C-CATGTAACATTTTTA.
Other names: short protein forms K26fs.
Identifiers: ClinVar variation 5014959 (VCV005014959.1).

ClinVar aggregate classification (germline): Pathogenic (1 of 4 stars; one submission).

Conditions:
Primary ciliary dyskinesia 3. Identifiers: Orphanet 244, MedGen C1837618, MONDO:0012085, OMIM 608644.

Submission:

Myriad Genetics, Inc.
Classification: Pathogenic for Primary ciliary dyskinesia 3. Last evaluated: 2024-05-14. Review status: criteria provided, single submitter. Criteria: Myriad Autosomal Dominant, Autosomal Recessive and X-Linked Classification Criteria (2023). Collection method: clinical testing. Allele origin: unknown.
Comment: NM_001369.2(DNAH5):c.77_78ins14(K26Nfs*30) is expected to be pathogenic in the context of primary ciliary dyskinesia, DNAH5-related. This variant is predicted to lead to an abnormal or absent protein product due to the creation of a premature termination codon in DNAH5, a gene where loss-of-function variants are known to be pathogenic. Please note: this variant was assessed in the context of healthy population screening.